The following is an entry in ClinVar:

ClinVar aggregate classification (germline): Uncertain significance (1 of 4 stars; one submission).

Submission:

Labcorp Genetics (formerly Invitae), Labcorp
Classification: Uncertain significance. Last evaluated: 2023-08-09. Review status: criteria provided, single submitter. Criteria: Invitae Variant Classification Sherloc (09022015). Collection method: clinical testing. Allele origin: germline.
Comment: In summary, the available evidence is currently insufficient to determine the role of this variant in disease. Therefore, it has been classified as a Variant of Uncertain Significance. An algorithm developed to predict the effect of missense changes on protein structure and function (PolyPhen-2) suggests that this variant is likely to be disruptive. This variant has not been reported in the literature in individuals affected with RINT1-related conditions. Information on the frequency of this variant in the gnomAD database is not available, as this variant may be reported differently in the database. This sequence change replaces aspartic acid, which is acidic and polar, with isoleucine, which is neutral and non-polar, at codon 594 of the RINT1 protein (p.Asp594Ile).

NM_021930.6(RINT1):c.1780_1781delinsAT (p.Asp594Ile)

Gene: RINT1 (RAD50 interactor 1; plus strand). Cytogenetic location: 7q22.3.
Variant type: Indel.
Coding change: c.1780_1781delinsAT on transcript NM_021930.6 (MANE Select); coding-DNA positions 1780 to 1781, GA replaced by AT.
Protein change: p.Asp594Ile; replaces aspartic acid 594 with isoleucine.
Molecular consequence: missense variant. On other transcripts: non-coding transcript variant (1).
Genome position (GRCh38, 1-based): chr7:105,563,841-105,563,842, GA replaced by AT. VCF-style: chr7-105563841-GA-AT. GRCh37 (hg19) VCF-style: chr7-105204288-GA-AT.
Other names: c.1546_1547delinsAT, p.Asp516Ile (NM_001346599.2); c.757_758delinsAT, p.Asp253Ile (NM_001346600.2, NM_001346603.2); c.856_857delinsAT, p.Asp286Ile (NM_001346601.2); short protein forms D516I, D286I, D594I, D253I.
Identifiers: ClinVar variation 2896364 (VCV002896364.3), dbSNP rs2485175867, ClinGen allele CA2739279560.
Genomic context (GRCh38, chr7:105,563,841, plus strand): 5'-AATACTCTGAGTAAATTGCAGCTAGGACAGCTAGCCTCTATGGAGAGCTCTGTCTTTGAT[GA>AT]CATGATTAACCTCTTAGAACGTTTAAAGCATGATATGTTGACCCGTCAAGTAGACCACGT-3'
Protein context (NP_068749.3, residues 584-604): LASMESSVFD[Asp594Ile]MINLLERLKH